The following is an entry in ClinVar:

ClinVar aggregate classification (germline): Uncertain significance (1 of 4 stars; one submission).

Submission:

Labcorp Genetics (formerly Invitae), Labcorp
Classification: Uncertain significance. Last evaluated: 2022-11-01. Review status: criteria provided, single submitter. Criteria: Invitae Variant Classification Sherloc (09022015). Collection method: clinical testing. Allele origin: germline.
Comment: The frequency data for this variant in the population databases is considered unreliable, as metrics indicate insufficient coverage at this position in the gnomAD database. This sequence change replaces proline, which is neutral and non-polar, with serine, which is neutral and polar, at codon 20 of the NR2F1 protein (p.Pro20Ser). This variant has not been reported in the literature in individuals affected with NR2F1-related conditions. In summary, the available evidence is currently insufficient to determine the role of this variant in disease. Therefore, it has been classified as a Variant of Uncertain Significance. Algorithms developed to predict the effect of missense changes on protein structure and function are either unavailable or do not agree on the potential impact of this missense change (SIFT: "Deleterious"; PolyPhen-2: "Benign"; Align-GVGD: "Class C0").

NM_005654.6(NR2F1):c.58C>T (p.Pro20Ser)

Genes: NR2F1 (nuclear receptor subfamily 2 group F member 1; plus strand), NR2F1-AS1 (NR2F1 regulatory antisense RNA 1; minus strand). Cytogenetic location: 5q15.
Variant type: single nucleotide variant.
Coding change: c.58C>T on transcript NM_005654.6 (MANE Select); coding-DNA position 58, C replaced by T.
Protein change: p.Pro20Ser; replaces proline 20 with serine.
Molecular consequence: missense variant.
Genome position (GRCh38, 1-based): chr5:93,585,081, C>T. VCF-style: chr5-93585081-C-T. GRCh37 (hg19) VCF-style: chr5-92920787-C-T.
Other names: short protein forms P20S.
Identifiers: ClinVar variation 2129461 (VCV002129461.4), dbSNP rs2480800803, ClinGen allele CA360525437.
Genomic context (GRCh38, chr5:93,585,081, plus strand): 5'-GATATGGCAATGGTAGTTAGCAGCTGGCGAGATCCGCAGGACGACGTGGCCGGGGGCAAC[C>T]CCGGCGGCCCCAACCCCGCAGCGCAGGCGGCCCGCGGCGGCGGCGGCGGCGCCGGCGAGC-3'
Protein context (NP_005645.1, residues 10-30): DPQDDVAGGN[Pro20Ser]GGPNPAAQAA